The following is an entry in ClinVar:

ClinVar aggregate classification (germline): Uncertain significance. Review status: criteria provided, multiple submitters, no conflicts (2 of 4 stars). 7 submissions from 7 submitters: Uncertain significance (6). 1 of the submissions does not count toward it. Last evaluated 2025-12-30.

Conditions:
Inborn genetic diseases. Identifiers: MedGen C0950123, MeSH D030342.
Ehlers-Danlos syndrome, dermatosparaxis type. Also called: Ehlers-Danlos syndrome, type VII, autosomal recessive; EDS VIIC; Dermatosparaxis. Identifiers: Orphanet 1901, MedGen C2700425, MONDO:0009161, OMIM 225410.

Allele frequency attached by ClinVar (database versions not stated): TOPMed 0.00009; gnomAD 0.00010 and 0.00011; ESP Exome Variant Server 0.00015.
gnomAD v4.1: 132 of 1,613,368 alleles (0.0082%); highest among the groups gnomAD compares: Middle Eastern, 0.099%; no homozygotes.

Submissions (7):

Women's Health and Genetics/Laboratory Corporation of America, LabCorp
Classification: Uncertain significance. Last evaluated: 2025-12-30. Review status: criteria provided, single submitter. Criteria: LabCorp Variant Classification Summary - May 2015. Collection method: clinical testing. Allele origin: germline.
Comment: Variant summary: ADAMTS2 c.562G>C (p.Glu188Gln) results in a conservative amino acid change in the encoded protein sequence. Algorithms developed to predict the effect of missense changes on protein structure and function are either unavailable or do not agree on the potential impact of this missense change. The variant allele was found at a frequency of 0.0001 in 251242 control chromosomes. This frequency is not significantly higher than estimated for disease-causing variants in ADAMTS2, allowing no conclusion about variant significance. To our knowledge, no occurrence of c.562G>C in individuals affected with ADAMTS2-related conditions and no experimental evidence demonstrating its impact on protein function have been reported. ClinVar contains an entry for this variant (Variation ID: 903918). Based on the evidence outlined above, the variant was classified as uncertain significance.

Ambry Genetics
Classification: Uncertain significance for Inborn genetic diseases. Last evaluated: 2025-08-06. Review status: criteria provided, single submitter. Criteria: Ambry Variant Classification Scheme 2023. Collection method: clinical testing. Allele origin: germline.

Labcorp Genetics (formerly Invitae), Labcorp
Classification: Uncertain significance for Ehlers-Danlos syndrome, dermatosparaxis type. Last evaluated: 2022-10-05. Review status: criteria provided, single submitter. Criteria: Invitae Variant Classification Sherloc (09022015). Collection method: clinical testing. Allele origin: germline.
Comment: This sequence change replaces glutamic acid, which is acidic and polar, with glutamine, which is neutral and polar, at codon 188 of the ADAMTS2 protein (p.Glu188Gln). This variant is present in population databases (rs146064587, gnomAD 0.02%). This variant has not been reported in the literature in individuals affected with ADAMTS2-related conditions. ClinVar contains an entry for this variant (Variation ID: 903918). Algorithms developed to predict the effect of missense changes on protein structure and function are either unavailable or do not agree on the potential impact of this missense change (SIFT: "Deleterious"; PolyPhen-2: "Probably Damaging"; Align-GVGD: "Class C0"). In summary, the available evidence is currently insufficient to determine the role of this variant in disease. Therefore, it has been classified as a Variant of Uncertain Significance.

GeneDx
Classification: Uncertain significance. Last evaluated: 2020-05-01. Review status: criteria provided, single submitter. Criteria: GeneDx Variant Classification Process June 2021. Collection method: clinical testing. Allele origin: germline. Affected: yes.
Comment: In silico analysis supports that this missense variant does not alter protein structure/function

Mayo Clinic Laboratories, Mayo Clinic
Classification: Uncertain significance. Last evaluated: 2020-02-12. Review status: criteria provided, single submitter. Criteria: ACMG Guidelines, 2015. Collection method: clinical testing. Allele origin: germline. Observed: 1 variant allele.

Illumina Laboratory Services, Illumina
Classification: Uncertain significance for Ehlers-Danlos syndrome, dermatosparaxis type. Last evaluated: 2018-01-13. Review status: criteria provided, single submitter. Criteria: ICSL Variant Classification Criteria 13 December 2019. Collection method: clinical testing. Allele origin: germline.

Natera, Inc.
Classification: Uncertain significance for Ehlers-Danlos syndrome type VIIC. Last evaluated: 2020-01-16. Review status: no assertion criteria provided. Collection method: clinical testing. Allele origin: germline. Not counted in ClinVar's aggregate classification.

NM_014244.5(ADAMTS2):c.562G>C (p.Glu188Gln)

Gene: ADAMTS2 (ADAM metallopeptidase with thrombospondin type 1 motif 2; minus strand). Cytogenetic location: 5q35.3.
Variant type: single nucleotide variant.
Coding change: c.562G>C on transcript NM_014244.5 (MANE Select); coding-DNA position 562, G replaced by C.
Protein change: p.Glu188Gln; replaces glutamic acid 188 with glutamine.
Molecular consequence: missense variant.
Genome position (GRCh38, 1-based): chr5:179,273,037, C>G on the plus strand (G>C on the coding strand, the complement: ADAMTS2 is on the minus strand). VCF-style: chr5-179273037-C-G. GRCh37 (hg19) VCF-style: chr5-178700038-C-G.
Other names: c.562G>C, p.Glu188Gln (NM_021599.4); short protein forms E188Q.
Identifiers: ClinVar variation 903918 (VCV000903918.19), dbSNP rs146064587, ClinGen allele CA3596271.